The following is an entry in ClinVar:

NM_198586.3(NHLRC1):c.37_38insTC (p.His13fs)

Gene: NHLRC1 (NHL repeat containing E3 ubiquitin protein ligase 1; minus strand). Cytogenetic location: 6p22.3.
Variant type: Insertion.
Coding change: c.37_38insTC on transcript NM_198586.3 (MANE Select); coding-DNA positions 37 to 38, TC inserted.
Protein change: p.His13fs; shifts the reading frame from histidine 13.
Molecular consequence: frameshift variant.
Genome position: GRCh38 VCF-style: chr6-18122569-T-TGA. GRCh37 (hg19) VCF-style: chr6-18122800-T-TGA.
Other names: short protein forms H13fs.
Identifiers: ClinVar variation 1412922 (VCV001412922.8), dbSNP rs1217276014, ClinGen allele CA822707775.

ClinVar aggregate classification (germline): Pathogenic (1 of 4 stars; one submission).

Conditions:
Lafora disease. Also called: Epilepsy progressive myoclonic 2; Progressive Myoclonus Epilepsy, Lafora Type. Identifiers: Orphanet 501, MedGen C0751783, MONDO:0009697.

Submission:

Labcorp Genetics (formerly Invitae), Labcorp
Classification: Pathogenic for Lafora disease. Last evaluated: 2023-03-01. Review status: criteria provided, single submitter. Criteria: Invitae Variant Classification Sherloc (09022015). Collection method: clinical testing. Allele origin: germline.
Comment: For these reasons, this variant has been classified as Pathogenic. This variant disrupts a region of the NHLRC1 protein in which other variant(s) (p.Ser364*) have been determined to be pathogenic (Invitae). This suggests that this is a clinically significant region of the protein, and that variants that disrupt it are likely to be disease-causing. ClinVar contains an entry for this variant (Variation ID: 1412922). This variant has not been reported in the literature in individuals affected with NHLRC1-related conditions. This variant is not present in population databases (gnomAD no frequency). This sequence change creates a premature translational stop signal (p.His13Leufs*79) in the NHLRC1 gene. While this is not anticipated to result in nonsense mediated decay, it is expected to disrupt the last 383 amino acid(s) of the NHLRC1 protein.